The following is an entry in ClinVar:

NM_198123.2(CSMD3):c.631G>C (p.Asp211His)

Gene: CSMD3 (CUB and Sushi multiple domains 3; minus strand). Cytogenetic location: 8q23.3.
Variant type: single nucleotide variant.
Coding change: c.631G>C on transcript NM_198123.2 (MANE Select); coding-DNA position 631, G replaced by C.
Protein change: p.Asp211His; replaces aspartic acid 211 with histidine.
Molecular consequence: missense variant.
Genome position (GRCh38, 1-based): chr8:113,173,800, C>G on the plus strand (G>C on the coding strand, the complement: CSMD3 is on the minus strand). VCF-style: chr8-113173800-C-G. GRCh37 (hg19) VCF-style: chr8-114186029-C-G.
Other names: c.631G>C, p.Asp211His (NM_001363185.1, NM_052900.3); c.511G>C, p.Asp171His (NM_198124.2); short protein forms D171H, D211H.
Identifiers: ClinVar variation 2632328 (VCV002632328.1), dbSNP rs777486805, ClinGen allele CA372060098.

ClinVar aggregate classification (germline): Uncertain significance (1 of 4 stars; one submission).

Conditions:
CSMD3-related disorder. Also called: CSMD3-related condition.

Allele frequency attached by ClinVar (database versions not stated): TOPMed below 0.00001; gnomAD 0.00001.
gnomAD v4.1: 12 of 1,613,738 alleles (0.00074%); highest among the groups gnomAD compares: Non-Finnish European, 0.00093%; no homozygotes.

Submission:

PreventionGenetics, part of Exact Sciences
Classification: Uncertain significance for CSMD3-related condition. Last evaluated: 2023-06-13. Review status: criteria provided, single submitter. Criteria: ACMG Guidelines, 2015. Collection method: clinical testing. Allele origin: germline.
Comment: The CSMD3 c.631G>C variant is predicted to result in the amino acid substitution p.Asp211His. To our knowledge, this variant has not been reported in the literature or in a large population database, indicating this variant is rare. At this time, the clinical significance of this variant is uncertain due to the absence of conclusive functional and genetic evidence.